The following is an entry in ClinVar:

ClinVar aggregate classification (germline): Benign (1 of 4 stars; one submission).

Allele frequency attached by ClinVar (database versions not stated): 1000 Genomes Project 0.05312; 1000 Genomes Project 30x 0.05653; gnomAD 0.07958 and 0.08298; TOPMed 0.08173.
gnomAD v4.1: 55,094 of 755,276 alleles (7.3%); highest among the groups gnomAD compares: African/African-American, 9.9%; 2,425 homozygotes.

Submission:

GeneDx
Classification: Benign. Last evaluated: 2018-06-14. Review status: criteria provided, single submitter. Criteria: GeneDx Variant Classification (06012015). Collection method: clinical testing. Allele origin: germline. Affected: yes.
Comment: This variant is considered likely benign or benign based on one or more of the following criteria: it is a conservative change, it occurs at a poorly conserved position in the protein, it is predicted to be benign by multiple in silico algorithms, and/or has population frequency not consistent with disease.

NM_175614.5(NDUFA11):c.97+144G>C

Genes: NDUFA11 (NADH:ubiquinone oxidoreductase subunit A11; minus strand), LOC112552175 (Sharpr-MPRA regulatory region 9916; plus strand). Cytogenetic location: 19p13.3.
Variant type: single nucleotide variant.
Coding change: c.97+144G>C on transcript NM_175614.5 (MANE Select); 144 bases into the intron after coding-DNA position 97, G replaced by C.
Molecular consequence: intron variant.
Genome position (GRCh38, 1-based): chr19:5,903,468, C>G on the plus strand (G>C on the coding strand, the complement: NDUFA11 is on the minus strand). VCF-style: chr19-5903468-C-G. GRCh37 (hg19) VCF-style: chr19-5903479-C-G.
Other names: c.97+144G>C (NM_001193375.3).
Identifiers: ClinVar variation 676292 (VCV000676292.1), dbSNP rs35728843, ClinGen allele CA304697500.